The following is an entry in ClinVar:

ClinVar aggregate classification (germline): Uncertain significance (1 of 4 stars; one submission).

Conditions:
Autosomal dominant epilepsy with auditory features. Identifiers: Orphanet 101046, MedGen C1838062, MONDO:0010898.

Allele frequency attached by ClinVar (database versions not stated): gnomAD exomes below 0.00001.
gnomAD v4.1: 3 of 1,612,474 alleles (0.00019%); highest among the groups gnomAD compares: Non-Finnish European, 0.00025%; no homozygotes.

Submission:

Labcorp Genetics (formerly Invitae), Labcorp
Classification: Uncertain significance for Autosomal dominant epilepsy with auditory features. Last evaluated: 2022-04-13. Review status: criteria provided, single submitter. Criteria: Invitae Variant Classification Sherloc (09022015). Collection method: clinical testing. Allele origin: germline.
Comment: This variant has not been reported in the literature in individuals affected with LGI1-related conditions. This variant is not present in population databases (gnomAD no frequency). This sequence change replaces aspartic acid, which is acidic and polar, with tyrosine, which is neutral and polar, at codon 231 of the LGI1 protein (p.Asp231Tyr). Algorithms developed to predict the effect of missense changes on protein structure and function are either unavailable or do not agree on the potential impact of this missense change (SIFT: "Deleterious"; PolyPhen-2: "Benign"; Align-GVGD: "Class C25"). In summary, the available evidence is currently insufficient to determine the role of this variant in disease. Therefore, it has been classified as a Variant of Uncertain Significance.

NM_005097.4(LGI1):c.691G>T (p.Asp231Tyr)

Gene: LGI1 (leucine rich glioma inactivated 1; plus strand). Cytogenetic location: 10q23.33.
Variant type: single nucleotide variant.
Coding change: c.691G>T on transcript NM_005097.4 (MANE Select); coding-DNA position 691, G replaced by T.
Protein change: p.Asp231Tyr; replaces aspartic acid 231 with tyrosine.
Molecular consequence: missense variant. On other transcripts: non-coding transcript variant (1).
Genome position (GRCh38, 1-based): chr10:93,793,203, G>T. VCF-style: chr10-93793203-G-T. GRCh37 (hg19) VCF-style: chr10-95552960-G-T.
Other names: c.691G>T, p.Asp231Tyr (NM_001308275.2); c.547G>T, p.Asp183Tyr (NM_001308276.2); short protein forms D183Y, D231Y.
Identifiers: ClinVar variation 2157935 (VCV002157935.4), dbSNP rs926839552, ClinGen allele CA211583658.
Genomic context (GRCh38, chr10:93,793,203, plus strand): 5'-GAGGTATTAGCTCACAGTTACTTATTATTTCCTATTTTTGCAGAATTTGCAAAGTCTCAA[G>T]ACCTGCCTTATCAATCATTGTCCATAGACACTTTTTCTTATTTGAATGATGAGTATGTAG-3'
Protein context (NP_005088.1, residues 221-241): CIITEFAKSQ[Asp231Tyr]LPYQSLSIDT